The following is an entry in ClinVar:

NM_032043.3(BRIP1):c.180_181insGTTACAAAACAAAGCATGGCAACAATCTC (p.Leu61fs)

Gene: BRIP1 (BRCA1 interacting DNA helicase 1; minus strand). Cytogenetic location: 17q23.2.
Variant type: Insertion.
Coding change: c.180_181insGTTACAAAACAAAGCATGGCAACAATCTC on transcript NM_032043.3 (MANE Select); coding-DNA positions 180 to 181, GTTACAAAACAAAGCATGGCAACAATCTC inserted.
Protein change: p.Leu61fs; shifts the reading frame from leucine 61.
Molecular consequence: frameshift variant.
Genome position: GRCh38 VCF-style: chr17-61859820-A-AGAGATTGTTGCCATGCTTTGTTTTGTAAC. GRCh37 (hg19) VCF-style: chr17-59937181-A-AGAGATTGTTGCCATGCTTTGTTTTGTAAC.
Other names: short protein forms L61fs.
Identifiers: ClinVar variation 1451213 (VCV001451213.7), dbSNP rs2145850255, ClinGen allele CA2573154347.

ClinVar aggregate classification (germline): Pathogenic (1 of 4 stars; one submission).

Conditions:
Familial cancer of breast. Also called: BREAST CANCER, FAMILIAL; Hereditary breast cancer; hereditary breast carcinoma. Identifiers: Orphanet 227535, MedGen C0346153, MONDO:0016419, OMIM 114480. Disease mechanism: loss of function.
Fanconi anemia complementation group J. Also called: BRIP1-Related Fanconi Anemia. Identifiers: Orphanet 84, MedGen C1836860, MONDO:0012187, OMIM 609054.

Submission:

Labcorp Genetics (formerly Invitae), Labcorp
Classification: Pathogenic for Familial cancer of breast; Fanconi anemia complementation group J. Last evaluated: 2022-12-06. Review status: criteria provided, single submitter. Criteria: Invitae Variant Classification Sherloc (09022015). Collection method: clinical testing. Allele origin: germline.
Comment: For these reasons, this variant has been classified as Pathogenic. ClinVar contains an entry for this variant (Variation ID: 1451213). This variant has not been reported in the literature in individuals affected with BRIP1-related conditions. This variant is not present in population databases (gnomAD no frequency). This sequence change creates a premature translational stop signal (p.Leu61Valfs*11) in the BRIP1 gene. It is expected to result in an absent or disrupted protein product. Loss-of-function variants in BRIP1 are known to be pathogenic (PMID: 16116423, 17033622, 21964575).

Literature cited by the submitters: PubMed 16116423; PubMed 17033622; PubMed 21964575.